The following is an entry in ClinVar:

ClinVar aggregate classification (germline): Uncertain significance (1 of 4 stars; one submission).

Conditions:
Peroxisome biogenesis disorder. Identifiers: Orphanet 79189, MedGen C1832200, MONDO:0019234. Disease mechanism: loss of function.

Allele frequency attached by ClinVar (database versions not stated): TOPMed below 0.00001; gnomAD exomes 0.00001.
gnomAD v4.1: 4 of 1,612,804 alleles (0.00025%); highest among the groups gnomAD compares: Admixed American, 0.0017%; no homozygotes.

Submission:

Labcorp Genetics (formerly Invitae), Labcorp
Classification: Uncertain significance for Peroxisome biogenesis disorder. Last evaluated: 2021-08-28. Review status: criteria provided, single submitter. Criteria: Invitae Variant Classification Sherloc (09022015). Collection method: clinical testing. Allele origin: germline.
Comment: This sequence change replaces arginine with glutamine at codon 625 of the PEX6 protein (p.Arg625Gln). The arginine residue is moderately conserved and there is a small physicochemical difference between arginine and glutamine. This variant is not present in population databases (ExAC no frequency). This variant has not been reported in the literature in individuals affected with PEX6-related conditions. Algorithms developed to predict the effect of missense changes on protein structure and function (SIFT, PolyPhen-2, Align-GVGD) all suggest that this variant is likely to be tolerated. In summary, the available evidence is currently insufficient to determine the role of this variant in disease. Therefore, it has been classified as a Variant of Uncertain Significance.

NM_000287.4(PEX6):c.1874G>A (p.Arg625Gln)

Gene: PEX6 (peroxisomal biogenesis factor 6; minus strand). Cytogenetic location: 6p21.1.
Variant type: single nucleotide variant.
Coding change: c.1874G>A on transcript NM_000287.4 (MANE Select); coding-DNA position 1874, G replaced by A.
Protein change: p.Arg625Gln; replaces arginine 625 with glutamine.
Molecular consequence: missense variant. On other transcripts: non-coding transcript variant (1).
Genome position (GRCh38, 1-based): chr6:42,967,378, C>T on the plus strand (G>A on the coding strand, the complement: PEX6 is on the minus strand). VCF-style: chr6-42967378-C-T. GRCh37 (hg19) VCF-style: chr6-42935116-C-T.
Other names: c.1610G>A, p.Arg537Gln (NM_001316313.2); short protein forms R625Q, R537Q.
Identifiers: ClinVar variation 1431976 (VCV001431976.5), dbSNP rs1769868642, ClinGen allele CA364153367.